The following is an entry in ClinVar:

NM_004036.5(ADCY3):c.1493A>T (p.Glu498Val)

Gene: ADCY3 (adenylate cyclase 3; minus strand). Cytogenetic location: 2p23.3.
Variant type: single nucleotide variant.
Coding change: c.1493A>T on transcript NM_004036.5 (MANE Select); coding-DNA position 1493, A replaced by T.
Protein change: p.Glu498Val; replaces glutamic acid 498 with valine.
Molecular consequence: missense variant.
Genome position (GRCh38, 1-based): chr2:24,838,485, T>A on the plus strand (A>T on the coding strand, the complement: ADCY3 is on the minus strand). VCF-style: chr2-24838485-T-A. GRCh37 (hg19) VCF-style: chr2-25061354-T-A.
Other names: c.1493A>T, p.Glu498Val (NM_001320613.2, NM_001377129.1, NM_001377130.1 and 1 more transcripts); c.1559A>T, p.Glu520Val (NM_001377128.1); c.770A>T, p.Glu257Val (NM_001377131.1); short protein forms E498V, E257V, E520V.
Identifiers: ClinVar variation 5002161 (VCV005002161.1).

ClinVar aggregate classification (germline): Uncertain significance (1 of 4 stars; one submission).

Conditions:
ADCY3-related disorder. Also called: ADCY3-related condition.

Submission:

PreventionGenetics, part of Exact Sciences
Classification: Uncertain significance for ADCY3-related condition. Last evaluated: 2025-05-08. Review status: criteria provided, single submitter. Criteria: ACMG Guidelines, 2015. Collection method: clinical testing. Allele origin: germline.
Comment: The ADCY3 c.1493A>T variant is predicted to result in the amino acid substitution p.Glu498Val. To our knowledge, this variant has not been reported in the literature or in a large population database (gnomAD), indicating this variant is rare. At this time, the clinical significance of this variant is uncertain due to the absence of conclusive functional and genetic evidence.